The following is an entry in ClinVar:

ClinVar aggregate classification (germline): Uncertain significance (1 of 4 stars; one submission).

Submission:

Labcorp Genetics (formerly Invitae), Labcorp
Classification: Uncertain significance. Last evaluated: 2022-04-04. Review status: criteria provided, single submitter. Criteria: Invitae Variant Classification Sherloc (09022015). Collection method: clinical testing. Allele origin: germline.
Comment: In summary, the available evidence is currently insufficient to determine the role of this variant in disease. Therefore, it has been classified as a Variant of Uncertain Significance. Algorithms developed to predict the effect of missense changes on protein structure and function are either unavailable or do not agree on the potential impact of this missense change (SIFT: "Deleterious"; PolyPhen-2: "Benign"; Align-GVGD: "Class C0"). This sequence change replaces leucine, which is neutral and non-polar, with proline, which is neutral and non-polar, at codon 159 of the EXTL3 protein (p.Leu159Pro). This variant is not present in population databases (gnomAD no frequency). This variant has not been reported in the literature in individuals affected with EXTL3-related conditions.

NM_001440.4(EXTL3):c.476T>C (p.Leu159Pro)

Gene: EXTL3 (exostosin like glycosyltransferase 3; plus strand). Cytogenetic location: 8p21.1.
Variant type: single nucleotide variant.
Coding change: c.476T>C on transcript NM_001440.4 (MANE Select); coding-DNA position 476, T replaced by C.
Protein change: p.Leu159Pro; replaces leucine 159 with proline.
Molecular consequence: missense variant.
Genome position (GRCh38, 1-based): chr8:28,716,535, T>C. VCF-style: chr8-28716535-T-C. GRCh37 (hg19) VCF-style: chr8-28574052-T-C.
Other names: short protein forms L159P.
Identifiers: ClinVar variation 2117919 (VCV002117919.4), dbSNP rs2486620322, ClinGen allele CA370856397.